The following is an entry in ClinVar:

ClinVar aggregate classification (germline): Conflicting classifications of pathogenicity. Review status: criteria provided, conflicting classifications (1 of 4 stars). 6 submissions from 6 submitters: Uncertain significance (5); Likely benign (1). Last evaluated 2025-09-26.

Conditions:
Hereditary cancer-predisposing syndrome. Also called: Hereditary Cancer Syndrome; Hereditary neoplastic syndrome; Neoplastic Syndromes, Hereditary; Tumor predisposition. Identifiers: Orphanet 140162, MedGen C0027672, MeSH D009386, MONDO:0015356.
Hereditary breast ovarian cancer syndrome. Also called: BRCA1- and BRCA2-Associated Hereditary Breast and Ovarian Cancer; Hereditary breast and ovarian cancer syndrome; Hereditary breast and ovarian cancer syndrome (HBOC); Breast and ovarian cancer; Hereditary breast and ovarian cancer; Hereditary breast and/or ovarian cancer syndrome. Identifiers: Orphanet 145, MedGen C0677776, MeSH D061325, MONDO:0003582. Disease mechanism: loss of function.
Breast-ovarian cancer, familial, susceptibility to, 2 (BROVCA2). Also called: BRCA2 Hereditary Breast and Ovarian Cancer. Identifiers: Orphanet 145, MedGen C2675520, MONDO:0012933, OMIM 612555. Disease mechanism: loss of function.
Familial cancer of breast. Also called: hereditary breast carcinoma; BREAST CANCER, FAMILIAL; Hereditary breast cancer. Identifiers: Orphanet 227535, MedGen C0346153, MONDO:0016419, OMIM 114480. Disease mechanism: loss of function.

Submissions (6):

Quest Diagnostics Nichols Institute San Juan Capistrano
Classification: Uncertain significance. Last evaluated: 2025-09-26. Review status: criteria provided, single submitter. Criteria: Quest Diagnostics criteria. Collection method: clinical testing. Allele origin: unknown.
Comment: The BRCA2 c.9349C>T (p.His3117Tyr) variant has not been reported in the published literature in individuals with BRCA2-related conditions. This variant showed benign effects in saturation genome editing assays measuring DNA repair-dependent cell survival (PMID: 39779848 (2025), 39779857 (2025)). This variant has not been reported in large, multi-ethnic general populations (Genome Aggregation Database). Analysis of this variant using bioinformatics tools for the prediction of the effect of amino acid changes on protein structure and function yielded predictions that this variant is benign. Based on the available information, we are unable to determine the clinical significance of this variant.

Ambry Genetics
Classification: Likely benign for Hereditary cancer-predisposing syndrome. Last evaluated: 2025-05-15. Review status: criteria provided, single submitter. Criteria: Ambry Variant Classification Scheme 2023. Collection method: clinical testing. Allele origin: germline.

All of Us Research Program, National Institutes of Health
Classification: Uncertain significance for Breast-ovarian cancer, familial, susceptibility to, 2. Last evaluated: 2023-11-30. Review status: criteria provided, single submitter. Criteria: ACMG Guidelines, 2015. Collection method: clinical testing. Allele origin: germline. Inheritance: Autosomal dominant inheritance. Observed: 1 variant allele, 1 heterozygote.
Comment: This missense variant replaces histidine with tyrosine at codon 3117 of the BRCA2 protein. Computational prediction suggests that this variant may not impact protein structure and function (internally defined REVEL score threshold <= 0.5, PMID: 27666373). Splice site prediction tools suggest that this variant may not impact RNA splicing. To our knowledge, functional studies have not been performed for this variant. This variant has not been reported in individuals affected with hereditary cancer in the literature. This variant has not been identified in the general population by the Genome Aggregation Database (gnomAD). The available evidence is insufficient to determine the role of this variant in disease conclusively. Therefore, this variant is classified as a Variant of Uncertain Significance.

This study involves interpretation of variants in research participants for the purpose of population health screening. Participant phenotype was not available at the time of variant classification. Additional details can be found in publication PMID: 35346344, PMCID: PMC8962531

Labcorp Genetics (formerly Invitae), Labcorp
Classification: Uncertain significance for Hereditary breast ovarian cancer syndrome. Last evaluated: 2023-06-17. Review status: criteria provided, single submitter. Criteria: Invitae Variant Classification Sherloc (09022015). Collection method: clinical testing. Allele origin: germline.
Comment: In summary, the available evidence is currently insufficient to determine the role of this variant in disease. Therefore, it has been classified as a Variant of Uncertain Significance. Advanced modeling of protein sequence and biophysical properties (such as structural, functional, and spatial information, amino acid conservation, physicochemical variation, residue mobility, and thermodynamic stability) performed at Invitae indicates that this missense variant is not expected to disrupt BRCA2 protein function. ClinVar contains an entry for this variant (Variation ID: 918876). This variant has not been reported in the literature in individuals affected with BRCA2-related conditions. This variant is not present in population databases (gnomAD no frequency). This sequence change replaces histidine, which is basic and polar, with tyrosine, which is neutral and polar, at codon 3117 of the BRCA2 protein (p.His3117Tyr).

Baylor Genetics
Classification: Uncertain significance for Familial cancer of breast. Last evaluated: 2023-05-05. Review status: criteria provided, single submitter. Criteria: ACMG Guidelines, 2015. Collection method: clinical testing. Allele origin: unknown.

Color Diagnostics, LLC DBA Color Health
Classification: Uncertain significance for Hereditary cancer-predisposing syndrome. Last evaluated: 2019-10-09. Review status: criteria provided, single submitter. Criteria: ACMG Guidelines, 2015. Collection method: clinical testing. Allele origin: germline.
Comment: This missense variant replaces histidine with tyrosine at codon 3117 of the BRCA2 protein. Computational prediction suggests that this variant may not impact protein structure and function (internally defined REVEL score threshold <= 0.5, PMID: 27666373). Splice site prediction tools suggest that this variant may not impact RNA splicing. To our knowledge, functional studies have not been performed for this variant. This variant has not been reported in individuals affected with hereditary cancer in the literature. This variant has not been identified in the general population by the Genome Aggregation Database (gnomAD). The available evidence is insufficient to determine the role of this variant in disease conclusively. Therefore, this variant is classified as a Variant of Uncertain Significance.

Literature cited by the submitters: PubMed 39779848 (cited by Quest Diagnostics Nichols Institute San Juan Capistrano); PubMed 39779857 (cited by Quest Diagnostics Nichols Institute San Juan Capistrano).

NM_000059.4(BRCA2):c.9349C>T (p.His3117Tyr)

Gene: BRCA2 (BRCA2 DNA repair associated; plus strand). Cytogenetic location: 13q13.1.
Variant type: single nucleotide variant.
Coding change: c.9349C>T on transcript NM_000059.4 (MANE Select); coding-DNA position 9349, C replaced by T.
Protein change: p.His3117Tyr; replaces histidine 3117 with tyrosine.
Molecular consequence: missense variant.
Genome position (GRCh38, 1-based): chr13:32,394,781, C>T. VCF-style: chr13-32394781-C-T. GRCh37 (hg19) VCF-style: chr13-32968918-C-T.
Other names: short protein forms H3117Y.
Identifiers: ClinVar variation 918876 (VCV000918876.12), dbSNP rs2073022451, ClinGen allele CA387761080.